The following is an entry in ClinVar:

ClinVar aggregate classification (germline): Uncertain significance. Review status: criteria provided, multiple submitters, no conflicts (2 of 4 stars). 2 submissions from 2 submitters: Uncertain significance (2). Last evaluated 2024-01-15.

Allele frequency attached by ClinVar (database versions not stated): gnomAD exomes below 0.00001 and 0.00001; TOPMed below 0.00001; ExAC 0.00001.

Submissions (2):

Blueprint Genetics
Classification: Uncertain significance. Last evaluated: 2024-01-15. Review status: criteria provided, single submitter. Criteria: ACMG Guidelines, 2015. Collection method: clinical testing. Allele origin: germline.

Labcorp Genetics (formerly Invitae), Labcorp
Classification: Uncertain significance. Last evaluated: 2021-07-13. Review status: criteria provided, single submitter. Criteria: Invitae Variant Classification Sherloc (09022015). Collection method: clinical testing. Allele origin: germline.
Comment: In summary, the available evidence is currently insufficient to determine the role of this variant in disease. Therefore, it has been classified as a Variant of Uncertain Significance. Algorithms developed to predict the effect of missense changes on protein structure and function output the following: SIFT: "Tolerated"; PolyPhen-2: "Benign"; Align-GVGD: "Class C0". The isoleucine amino acid residue is found in multiple mammalian species, suggesting that this missense change does not adversely affect protein function. These predictions have not been confirmed by published functional studies and their clinical significance is uncertain. This variant has not been reported in the literature in individuals with PDE6B-related conditions. This variant is present in population databases (rs772876974, ExAC 0.001%). This sequence change replaces methionine with isoleucine at codon 175 of the PDE6B protein (p.Met175Ile). The methionine residue is weakly conserved and there is a small physicochemical difference between methionine and isoleucine.

NM_000283.4(PDE6B):c.525G>A (p.Met175Ile)

Gene: PDE6B (phosphodiesterase 6B; plus strand). Cytogenetic location: 4p16.3.
Variant type: single nucleotide variant.
Coding change: c.525G>A on transcript NM_000283.4 (MANE Select); coding-DNA position 525, G replaced by A.
Protein change: p.Met175Ile; replaces methionine 175 with isoleucine.
Molecular consequence: missense variant.
Genome position (GRCh38, 1-based): chr4:634,733, G>A. VCF-style: chr4-634733-G-A. GRCh37 (hg19) VCF-style: chr4-628522-G-A.
Other names: c.525G>A, p.Met175Ile (NM_001145291.2); short protein forms M175I.
Identifiers: ClinVar variation 956177 (VCV000956177.10), dbSNP rs772876974, ClinGen allele CA2793986.